The following is an entry in ClinVar:

ClinVar aggregate classification (germline): Likely benign. Review status: criteria provided, single submitter (1 of 4 stars). 3 submissions from 3 submitters: Likely benign (1). 2 of the submissions do not count toward it. Last evaluated 2025-02-28.

Conditions:
Epidermolysis bullosa dystrophica inversa, autosomal recessive. Identifiers: MedGen C2673612.
COL7A1-related disorder. Also called: COL7A1-related condition; COL7A1- related disorders.

Allele frequency attached by ClinVar (database versions not stated): ExAC 0.00001; gnomAD 0.00001.
gnomAD v4.1: 40 of 1,610,056 alleles (0.0025%); highest among the groups gnomAD compares: South Asian, 0.0044%; no homozygotes.

Submissions (3):

Labcorp Genetics (formerly Invitae), Labcorp
Classification: Likely benign. Last evaluated: 2025-02-28. Review status: criteria provided, single submitter. Criteria: Invitae Variant Classification Sherloc (09022015). Collection method: clinical testing. Allele origin: germline.

Natera, Inc.
Classification: Uncertain significance for Autosomal recessive epidermolysis bullosa dystrophica inversa. Last evaluated: 2020-09-25. Review status: no assertion criteria provided. Collection method: clinical testing. Allele origin: germline. Not counted in ClinVar's aggregate classification.

PreventionGenetics, part of Exact Sciences
Classification: Likely benign for COL7A1-related condition. Last evaluated: 2019-10-09. Review status: no assertion criteria provided. Collection method: clinical testing. Allele origin: germline. Not counted in ClinVar's aggregate classification.
Comment: This variant is classified as likely benign based on ACMG/AMP sequence variant interpretation guidelines (Richards et al. 2015 PMID: 25741868, with internal and published modifications).

NM_000094.4(COL7A1):c.6075C>T (p.Gly2025=)

Gene: COL7A1 (collagen type VII alpha 1 chain; minus strand). Cytogenetic location: 3p21.31.
Variant type: single nucleotide variant.
Coding change: c.6075C>T on transcript NM_000094.4 (MANE Select); coding-DNA position 6075, C replaced by T.
Protein change: p.Gly2025=; no amino-acid change (glycine 2025 retained).
Molecular consequence: synonymous variant.
Genome position (GRCh38, 1-based): chr3:48,575,444, G>A on the plus strand (C>T on the coding strand, the complement: COL7A1 is on the minus strand). VCF-style: chr3-48575444-G-A. GRCh37 (hg19) VCF-style: chr3-48612877-G-A.
Other names: c.6075C>T (NM_000094.3).
Identifiers: ClinVar variation 991491 (VCV000991491.9), dbSNP rs763329165, ClinGen allele CA2379202.